The following is an entry in ClinVar:

NM_007194.4(CHEK2):c.1623T>C (p.Ala541=)

Gene: CHEK2 (checkpoint kinase 2; minus strand). Cytogenetic location: 22q12.1.
Variant type: single nucleotide variant.
Coding change: c.1623T>C on transcript NM_007194.4 (MANE Select); coding-DNA position 1623, T replaced by C.
Protein change: p.Ala541=; no amino-acid change (alanine 541 retained).
Molecular consequence: synonymous variant.
Genome position (GRCh38, 1-based): chr22:28,687,906, A>G on the plus strand (T>C on the coding strand, the complement: CHEK2 is on the minus strand). VCF-style: chr22-28687906-A-G. GRCh37 (hg19) VCF-style: chr22-29083894-A-G.
Other names: c.1752T>C, p.Ala584= (NM_001005735.3); c.960T>C, p.Ala320= (NM_001257387.3); c.1422T>C, p.Ala474= (NM_001349956.3); c.1536T>C, p.Ala512= (NM_145862.3).
Identifiers: ClinVar variation 219387 (VCV000219387.21), dbSNP rs773670297, ClinGen allele CA348982.

ClinVar aggregate classification (germline): Benign/Likely benign. Review status: criteria provided, multiple submitters, no conflicts (2 of 4 stars). 6 submissions from 6 submitters: Benign (1); Likely benign (5). Last evaluated 2025-10-26.

Conditions:
Hereditary cancer-predisposing syndrome. Also called: Tumor predisposition; Neoplastic Syndromes, Hereditary; Hereditary Cancer Syndrome; Hereditary neoplastic syndrome. Identifiers: Orphanet 140162, MedGen C0027672, MeSH D009386, MONDO:0015356.
Familial cancer of breast. Also called: hereditary breast carcinoma; Hereditary breast cancer; BREAST CANCER, FAMILIAL. Identifiers: Orphanet 227535, MedGen C0346153, MONDO:0016419, OMIM 114480. Disease mechanism: loss of function.

Allele frequency attached by ClinVar (database versions not stated): TOPMed 0.00002; gnomAD 0.00003.
gnomAD v4.1: 27 of 1,596,198 alleles (0.0017%); highest among the groups gnomAD compares: Non-Finnish European, 0.0022%; no homozygotes.

Submissions (6):

Labcorp Genetics (formerly Invitae), Labcorp
Classification: Likely benign for Familial cancer of breast. Last evaluated: 2025-10-26. Review status: criteria provided, single submitter. Criteria: Invitae Variant Classification Sherloc (09022015). Collection method: clinical testing. Allele origin: germline.

Blueprint Genetics
Classification: Likely benign. Last evaluated: 2024-11-01. Review status: criteria provided, single submitter. Criteria: ACMG Guidelines, 2015. Collection method: clinical testing. Allele origin: germline.

Myriad Genetics, Inc.
Classification: Benign for Familial cancer of breast. Last evaluated: 2024-10-09. Review status: criteria provided, single submitter. Criteria: Myriad Autosomal Dominant, Autosomal Recessive and X-Linked Classification Criteria (2023). Collection method: clinical testing. Allele origin: unknown.
Comment: This variant is considered benign. This variant is a silent/synonymous amino acid change and it is not expected to impact splicing.

Ambry Genetics
Classification: Likely benign for Hereditary cancer-predisposing syndrome. Last evaluated: 2018-11-09. Review status: criteria provided, single submitter. Criteria: Ambry Variant Classification Scheme 2023. Collection method: clinical testing. Allele origin: germline.

GeneDx
Classification: Likely benign. Last evaluated: 2017-07-27. Review status: criteria provided, single submitter. Criteria: GeneDx Variant Classification (06012015). Collection method: clinical testing. Allele origin: germline. Affected: yes.
Comment: This variant is considered likely benign or benign based on one or more of the following criteria: it is a conservative change, it occurs at a poorly conserved position in the protein, it is predicted to be benign by multiple in silico algorithms, and/or has population frequency not consistent with disease.

Color Diagnostics, LLC DBA Color Health
Classification: Likely benign for Hereditary cancer-predisposing syndrome. Last evaluated: 2017-04-15. Review status: criteria provided, single submitter. Criteria: ACMG Guidelines, 2015. Collection method: clinical testing. Allele origin: germline.